The following is an entry in ClinVar:

NM_000264.5(PTCH1):c.2132T>C (p.Leu711Pro)

Genes: PTCH1 (patched 1; minus strand), LOC100507346 (uncharacterized LOC100507346; plus strand). Cytogenetic location: 9q22.32.
Variant type: single nucleotide variant.
Coding change: c.2132T>C on transcript NM_000264.5 (MANE Select); coding-DNA position 2132, T replaced by C.
Protein change: p.Leu711Pro; replaces leucine 711 with proline.
Molecular consequence: missense variant. On other transcripts: non-coding transcript variant (2).
Genome position (GRCh38, 1-based): chr9:95,468,869, A>G on the plus strand (T>C on the coding strand, the complement: PTCH1 is on the minus strand). VCF-style: chr9-95468869-A-G. GRCh37 (hg19) VCF-style: chr9-98231151-A-G.
Other names: c.1934T>C, p.Leu645Pro (NM_001083602.3); c.2129T>C, p.Leu710Pro (NM_001083603.3); c.1679T>C, p.Leu560Pro (NM_001083604.3, NM_001083605.3, NM_001083606.3 and 1 more transcripts); c.1976T>C, p.Leu659Pro (NM_001354918.2); short protein forms L560P, L645P, L659P, L710P, L711P.
Identifiers: ClinVar variation 5018185 (VCV005018185.2).

ClinVar aggregate classification (germline): Uncertain significance. Review status: criteria provided, multiple submitters, no conflicts (2 of 4 stars). 2 submissions from 2 submitters: Uncertain significance (2). Last evaluated 2026-07-07.

Conditions:
Hereditary cancer-predisposing syndrome. Also called: Neoplastic Syndromes, Hereditary; Tumor predisposition; Hereditary Cancer Syndrome; Hereditary neoplastic syndrome. Identifiers: Orphanet 140162, MedGen C0027672, MeSH D009386, MONDO:0015356.

Submissions (2):

Ambry Genetics
Classification: Uncertain significance for Hereditary cancer-predisposing syndrome. Last evaluated: 2026-07-07. Review status: criteria provided, single submitter. Criteria: Ambry Variant Classification Scheme 2023. Collection method: clinical testing. Allele origin: germline.
Comment: The p.L645P variant (also known as c.1934T>C), located in coding exon 14 of the PTCH1 gene, results from a T to C substitution at nucleotide position 1934. The leucine at codon 645 is replaced by proline, an amino acid with similar properties. This amino acid position is conserved. In addition, this alteration is predicted to be deleterious by in silico analysis. Based on the available evidence, the clinical significance of this variant remains unclear.

GeneDx
Classification: Uncertain significance. Last evaluated: 2026-04-05. Review status: criteria provided, single submitter. Criteria: GeneDx Variant Classification Process June 2021. Collection method: clinical testing. Allele origin: germline.
Comment: Not observed at significant frequency in large population cohorts (gnomAD); In silico analysis supports that this missense variant has a deleterious effect on protein structure/function; Has not been previously published as pathogenic or benign to our knowledge; This variant is associated with the following publications: (PMID: 11331587)